The following is an entry in ClinVar:

ClinVar aggregate classification (germline): Pathogenic (1 of 4 stars; one submission).

Conditions:
Nemaline myopathy 2 (NEM2). Also called: Nemaline myopathy 2, autosomal recessive. Identifiers: MedGen C1850569, MONDO:0009725, OMIM 256030.

Submission:

Myriad Genetics, Inc.
Classification: Pathogenic for Nemaline myopathy 2. Last evaluated: 2024-09-25. Review status: criteria provided, single submitter. Criteria: Myriad Autosomal Dominant, Autosomal Recessive and X-Linked Classification Criteria (2023). Collection method: clinical testing. Allele origin: unknown.
Comment: NM_001271208.1(NEB):c.22773_22777del5(L7592Yfs*15) is expected to be pathogenic in the context of NEB-related nemaline myopathy. This variant is predicted to lead to an abnormal or absent protein product due to the creation of a premature termination codon in NEB, a gene where loss-of-function variants are known to be pathogenic. Please note: this variant was assessed in the context of healthy population screening.

NM_001164508.2(NEB):c.22668_22672del (p.Leu7557fs)

Genes: NEB (nebulin; minus strand), RIF1 (replication timing regulatory factor 1; plus strand). Cytogenetic location: 2q23.3.
Variant type: Deletion.
Coding change: c.22668_22672del on transcript NM_001164508.2 (MANE Select); coding-DNA positions 22668 to 22672, 5 bases deleted (CCTGA; older notation c.22668_22672delCCTGA).
Protein change: p.Leu7557fs; shifts the reading frame from leucine 7557.
Molecular consequence: frameshift variant.
Genome position (GRCh38, 1-based): chr2:151,518,988-151,518,992, TCAGG deleted on the plus strand (CCTGA on the coding strand, the reverse complement: NEB is on the minus strand). VCF-style (leftmost placement, unchanged base first): chr2-151518987-TTCAGG-T. GRCh37 (hg19) VCF-style: chr2-152375501-TTCAGG-T.
Other names: c.22668_22672del, p.Leu7557fs (NM_001164507.2); c.22773_22777del, p.Leu7592fs (NM_001271208.2); c.17565_17569del, p.Leu5856fs (NM_004543.5); short protein forms L5856fs, L7557fs, L7592fs.
Identifiers: ClinVar variation 5013579 (VCV005013579.1).